The following is an entry in ClinVar:

NM_015046.7(SETX):c.6578C>T (p.Thr2193Ile)

Gene: SETX (senataxin; minus strand). Cytogenetic location: 9q34.13.
Variant type: single nucleotide variant.
Coding change: c.6578C>T on transcript NM_015046.7 (MANE Select); coding-DNA position 6578, C replaced by T.
Protein change: p.Thr2193Ile; replaces threonine 2193 with isoleucine.
Molecular consequence: missense variant.
Genome position (GRCh38, 1-based): chr9:132,281,543, G>A on the plus strand (C>T on the coding strand, the complement: SETX is on the minus strand). VCF-style: chr9-132281543-G-A. GRCh37 (hg19) VCF-style: chr9-135156930-G-A.
Other names: c.6578C>T, p.Thr2193Ile (NM_001351527.2, NM_001351528.2); short protein forms T2193I.
Identifiers: ClinVar variation 1700501 (VCV001700501.2), dbSNP rs781013515, ClinGen allele CA375333710.
Genomic context (GRCh38, chr9:132,281,543, plus strand): 5'-GGAGGGAGCTGCTTAGGATCTCCTACTAGGATGAGCTTATTGCAGCGATGGATGAGTGGA[G>A]TAAGAGTCTCAATTTCACAAGACTGTCCAGCCTTGGTAAGATACAGAAGAGAGAGGCAGT-3'
Protein context (NP_055861.3, residues 2183-2203): AGQSCEIETL[Thr2193Ile]PLIHRCNKLI

ClinVar aggregate classification (germline): Uncertain significance (1 of 4 stars; one submission).

Allele frequency attached by ClinVar (database versions not stated): TOPMed below 0.00001.

Submission:

GeneDx
Classification: Uncertain significance. Last evaluated: 2022-02-07. Review status: criteria provided, single submitter. Criteria: GeneDx Variant Classification Process June 2021. Collection method: clinical testing. Allele origin: germline. Affected: yes.
Comment: Not observed at significant frequency in large population cohorts (gnomAD); In silico analysis supports that this missense variant does not alter protein structure/function; Has not been previously published as pathogenic or benign to our knowledge